The following is an entry in ClinVar:

NM_001165963.4(SCN1A):c.3631dup (p.Cys1211fs)

Genes: SCN1A (sodium voltage-gated channel alpha subunit 1; minus strand), LOC102724058 (uncharacterized LOC102724058; plus strand). Cytogenetic location: 2q24.3.
Variant type: Duplication.
Coding change: c.3631dup on transcript NM_001165963.4 (MANE Select); coding-DNA position 3631, one base duplicated (T; older notation c.3631dupT).
Protein change: p.Cys1211fs; shifts the reading frame from cysteine 1211.
Molecular consequence: frameshift variant. On other transcripts: non-coding transcript variant (1).
Genome position (GRCh38, 1-based): chr2:166,013,818, A duplicated on the plus strand (T on the coding strand, the reverse complement: SCN1A is on the minus strand). VCF-style (leftmost placement, unchanged base first): chr2-166013817-C-CA. GRCh37 (hg19) VCF-style: chr2-166870327-C-CA.
Other names: c.3547dup, p.Cys1183fs (NM_001165964.3, NM_001353957.2, NM_001353958.2); c.3631dup, p.Cys1211fs (NM_001202435.3, NM_001353948.2); c.3598dup, p.Cys1200fs (NM_001353949.2, NM_001353950.2, NM_001353951.2 and 2 more transcripts); c.3595dup, p.Cys1199fs (NM_001353954.2, NM_001353955.2); c.3544dup, p.Cys1182fs (NM_001353960.2); c.1189dup, p.Cys397fs (NM_001353961.2); short protein forms C1182fs, C1200fs, C1211fs, C1199fs, C1183fs, C397fs.
Identifiers: ClinVar variation 408920 (VCV000408920.8), dbSNP rs1060502182, ClinGen allele CA16610241.

ClinVar aggregate classification (germline): Pathogenic (1 of 4 stars; one submission).

Conditions:
Early-infantile DEE. Also called: Early infantile epileptic encephalopathy; Early infantile epileptic encephalopathy with suppression bursts; Ohtahara syndrome. Identifiers: Orphanet 1934, MedGen C0393706, MONDO:0800491.

Submission:

Labcorp Genetics (formerly Invitae), Labcorp
Classification: Pathogenic for Early-infantile DEE. Last evaluated: 2016-07-29. Review status: criteria provided, single submitter. Criteria: Invitae Variant Classification Sherloc (09022015). Collection method: clinical testing. Allele origin: germline.
Comment: For these reasons, this variant has been classified as Pathogenic. This sequence change inserts 1 nucleotide in exon 18 of the SCN1A mRNA (c.3631dupT), causing a frameshift at codon 1211. This creates a premature translational stop signal (p.Cys1211Leufs*6) and is expected to result in an absent or disrupted protein product. While this particular variant has not been reported in the literature, truncating variants in SCN1A are known to be pathogenic (PMID: 17347258, 18930999).

Literature cited by the submitters: PubMed 17347258; PubMed 18930999.